The following is an entry in ClinVar:

ClinVar aggregate classification (germline): Likely benign (1 of 4 stars; one submission).

Conditions:
PKD1L1-related disorder. Also called: PKD1L1-related condition.

gnomAD v4.1: 20 of 1,614,034 alleles (0.0012%); highest among the groups gnomAD compares: South Asian, 0.02%; no homozygotes.

Submission:

PreventionGenetics, part of Exact Sciences
Classification: Likely benign for PKD1L1-related condition. Last evaluated: 2025-03-26. Review status: criteria provided, single submitter. Criteria: ACMG Guidelines, 2015. Collection method: clinical testing. Allele origin: germline.
Comment: This variant is classified as likely benign based on ACMG/AMP sequence variant interpretation guidelines (Richards et al. 2015 PMID: 25741868, with internal and published modifications).

NM_138295.5(PKD1L1):c.6369C>T (p.Pro2123=)

Gene: PKD1L1 (polycystin 1 like 1, transient receptor potential channel interacting; minus strand). Cytogenetic location: 7p12.3.
Variant type: single nucleotide variant.
Coding change: c.6369C>T on transcript NM_138295.5 (MANE Select); coding-DNA position 6369, C replaced by T.
Protein change: p.Pro2123=; no amino-acid change (proline 2123 retained).
Molecular consequence: synonymous variant.
Genome position (GRCh38, 1-based): chr7:47,831,321, G>A on the plus strand (C>T on the coding strand, the complement: PKD1L1 is on the minus strand). VCF-style: chr7-47831321-G-A. GRCh37 (hg19) VCF-style: chr7-47870919-G-A.
Identifiers: ClinVar variation 4992584 (VCV004992584.1).